The following is an entry in ClinVar:

NM_001330260.2(SCN8A):c.5794C>T (p.Arg1932Trp)

Gene: SCN8A (sodium voltage-gated channel alpha subunit 8; plus strand). Cytogenetic location: 12q13.13.
Variant type: single nucleotide variant.
Coding change: c.5794C>T on transcript NM_001330260.2 (MANE Select); coding-DNA position 5794, C replaced by T.
Protein change: p.Arg1932Trp; replaces arginine 1932 with tryptophan.
Molecular consequence: missense variant.
Genome position (GRCh38, 1-based): chr12:51,807,280, C>T. VCF-style: chr12-51807280-C-T. GRCh37 (hg19) VCF-style: chr12-52201064-C-T.
Other names: c.5671C>T, p.Arg1891Trp (NM_001177984.3, NM_001369788.1); c.5794C>T, p.Arg1932Trp (NM_014191.4); short protein forms R1932W, R1891W.
Identifiers: ClinVar variation 461349 (VCV000461349.11), dbSNP rs773966403, ClinGen allele CA6571955.

ClinVar aggregate classification (germline): Uncertain significance (1 of 4 stars; one submission).

Conditions:
Early-infantile DEE. Also called: Early infantile epileptic encephalopathy; Ohtahara syndrome; Early infantile epileptic encephalopathy with suppression bursts. Identifiers: Orphanet 1934, MedGen C0393706, MONDO:0800491.

Allele frequency attached by ClinVar (database versions not stated): ExAC 0.00001; gnomAD exomes 0.00001 and 0.00002; TOPMed 0.00001.
gnomAD v4.1: 13 of 1,613,774 alleles (0.00081%); highest among the groups gnomAD compares: East Asian, 0.0022%; no homozygotes.

Submission:

Labcorp Genetics (formerly Invitae), Labcorp
Classification: Uncertain significance for Early-infantile DEE. Last evaluated: 2023-12-06. Review status: criteria provided, single submitter. Criteria: Invitae Variant Classification Sherloc (09022015). Collection method: clinical testing. Allele origin: germline.
Comment: This sequence change replaces arginine, which is basic and polar, with tryptophan, which is neutral and slightly polar, at codon 1932 of the SCN8A protein (p.Arg1932Trp). This variant is present in population databases (rs773966403, gnomAD 0.01%). This variant has not been reported in the literature in individuals affected with SCN8A-related conditions. ClinVar contains an entry for this variant (Variation ID: 461349). Advanced modeling of protein sequence and biophysical properties (such as structural, functional, and spatial information, amino acid conservation, physicochemical variation, residue mobility, and thermodynamic stability) performed at Invitae indicates that this missense variant is not expected to disrupt SCN8A protein function with a negative predictive value of 95%. In summary, the available evidence is currently insufficient to determine the role of this variant in disease. Therefore, it has been classified as a Variant of Uncertain Significance.